The following is an entry in ClinVar:

ClinVar aggregate classification (germline): Uncertain significance (1 of 4 stars; one submission).

Allele frequency attached by ClinVar (database versions not stated): gnomAD 0.00001; 1000 Genomes Project 30x 0.00016; 1000 Genomes Project 0.00020; TOPMed 0.00003; gnomAD exomes 0.00001; ExAC 0.00002.
gnomAD v4.1: 6 of 1,614,068 alleles (0.00037%); highest among the groups gnomAD compares: Admixed American, 0.0033%; no homozygotes.

Submission:

Labcorp Genetics (formerly Invitae), Labcorp
Classification: Uncertain significance. Last evaluated: 2025-12-16. Review status: criteria provided, single submitter. Criteria: Invitae Variant Classification Sherloc (09022015). Collection method: clinical testing. Allele origin: germline.
Comment: This sequence change replaces arginine, which is basic and polar, with tryptophan, which is neutral and slightly polar, at codon 73 of the PLA2G5 protein (p.Arg73Trp). This variant is present in population databases (rs538789160, gnomAD 0.003%). This variant has not been reported in the literature in individuals affected with PLA2G5-related conditions. ClinVar contains an entry for this variant (Variation ID: 1380645). An algorithm developed to predict the effect of missense changes on protein structure and function outputs the following: PolyPhen-2: "Benign". The tryptophan amino acid residue is found in multiple mammalian species, which suggests that this missense change does not adversely affect protein function. Algorithms developed to predict the effect of sequence changes on RNA splicing suggest that this variant may disrupt the consensus splice site. In summary, the available evidence is currently insufficient to determine the role of this variant in disease. Therefore, it has been classified as a Variant of Uncertain Significance.

NM_000929.3(PLA2G5):c.217C>T (p.Arg73Trp)

Gene: PLA2G5 (phospholipase A2 group V; plus strand). Cytogenetic location: 1p36.13.
Variant type: single nucleotide variant.
Coding change: c.217C>T on transcript NM_000929.3 (MANE Select); coding-DNA position 217, C replaced by T.
Protein change: p.Arg73Trp; replaces arginine 73 with tryptophan.
Molecular consequence: missense variant.
Genome position (GRCh38, 1-based): chr1:20,089,820, C>T. VCF-style: chr1-20089820-C-T. GRCh37 (hg19) VCF-style: chr1-20416313-C-T.
Other names: short protein forms R73W.
Identifiers: ClinVar variation 1380645 (VCV001380645.6), dbSNP rs538789160, ClinGen allele CA658221.